The following is an entry in ClinVar:

NM_020366.4(RPGRIP1):c.2308A>C (p.Lys770Gln)

Gene: RPGRIP1 (RPGR interacting protein 1; plus strand). Cytogenetic location: 14q11.2.
Variant type: single nucleotide variant.
Coding change: c.2308A>C on transcript NM_020366.4 (MANE Select); coding-DNA position 2308, A replaced by C.
Protein change: p.Lys770Gln; replaces lysine 770 with glutamine.
Molecular consequence: missense variant. On other transcripts: intron variant (4).
Genome position (GRCh38, 1-based): chr14:21,325,324, A>C. VCF-style: chr14-21325324-A-C. GRCh37 (hg19) VCF-style: chr14-21793483-A-C.
Other names: c.1234A>C, p.Lys412Gln (NM_001377948.1); c.796+599A>C (NM_001377949.1); c.689-2299A>C (NM_001377523.1, NM_001377950.1); c.191-2299A>C (NM_001377951.1); short protein forms K770Q, K412Q.
Identifiers: ClinVar variation 1405717 (VCV001405717.6), dbSNP rs745694912, ClinGen allele CA388868582.

ClinVar aggregate classification (germline): Uncertain significance (1 of 4 stars; one submission).

Conditions:
Leber congenital amaurosis 6 (LCA6). Identifiers: Orphanet 65, MedGen C1854260, MONDO:0013446, OMIM 613826.
Cone-rod dystrophy 13 (CORD13). Identifiers: Orphanet 1872, MedGen C2750720, MONDO:0011987, OMIM 608194.

gnomAD v4.1: 2 of 1,607,498 alleles (0.00012%); highest among the groups gnomAD compares: Non-Finnish European, 0.00017%; no homozygotes.

Submission:

Labcorp Genetics (formerly Invitae), Labcorp
Classification: Uncertain significance for Leber congenital amaurosis 6; Cone-rod dystrophy 13. Last evaluated: 2022-11-22. Review status: criteria provided, single submitter. Criteria: Invitae Variant Classification Sherloc (09022015). Collection method: clinical testing. Allele origin: germline.
Comment: This sequence change replaces lysine, which is basic and polar, with glutamine, which is neutral and polar, at codon 770 of the RPGRIP1 protein (p.Lys770Gln). This variant is not present in population databases (gnomAD no frequency). This variant has not been reported in the literature in individuals affected with RPGRIP1-related conditions. ClinVar contains an entry for this variant (Variation ID: 1405717). Advanced modeling of protein sequence and biophysical properties (such as structural, functional, and spatial information, amino acid conservation, physicochemical variation, residue mobility, and thermodynamic stability) performed at Invitae indicates that this missense variant is not expected to disrupt RPGRIP1 protein function. In summary, the available evidence is currently insufficient to determine the role of this variant in disease. Therefore, it has been classified as a Variant of Uncertain Significance.